The following is an entry in ClinVar:

NM_001082.5(CYP4F2):c.1543C>A (p.Arg515=)

Gene: CYP4F2 (cytochrome P450 family 4 subfamily F member 2; minus strand). Cytogenetic location: 19p13.12.
Variant type: single nucleotide variant.
Coding change: c.1543C>A on transcript NM_001082.5 (MANE Select); coding-DNA position 1543, C replaced by A.
Protein change: p.Arg515=; no amino-acid change (arginine 515 retained).
Molecular consequence: synonymous variant.
Genome position (GRCh38, 1-based): chr19:15,878,791, G>T on the plus strand (C>A on the coding strand, the complement: CYP4F2 is on the minus strand). VCF-style: chr19-15878791-G-T. GRCh37 (hg19) VCF-style: chr19-15989601-G-T.
Identifiers: ClinVar variation 3047382 (VCV003047382.2), dbSNP rs2512624550, ClinGen allele CA505868029.

ClinVar aggregate classification (germline): Likely benign (0 of 4 stars; one submission).

Conditions:
CYP4F2-related disorder. Also called: CYP4F2-related condition.

Submission:

PreventionGenetics, part of Exact Sciences
Classification: Likely benign for CYP4F2-related condition. Last evaluated: 2020-03-18. Review status: no assertion criteria provided. Collection method: clinical testing. Allele origin: germline.
Comment: This variant is classified as likely benign based on ACMG/AMP sequence variant interpretation guidelines (Richards et al. 2015 PMID: 25741868, with internal and published modifications).